The following is an entry in ClinVar:

NM_002485.5(NBN):c.835C>G (p.Gln279Glu)

Gene: NBN (nibrin; minus strand). Cytogenetic location: 8q21.3.
Variant type: single nucleotide variant.
Coding change: c.835C>G on transcript NM_002485.5 (MANE Select); coding-DNA position 835, C replaced by G.
Protein change: p.Gln279Glu; replaces glutamine 279 with glutamic acid.
Molecular consequence: missense variant.
Genome position (GRCh38, 1-based): chr8:89,970,425, G>C on the plus strand (C>G on the coding strand, the complement: NBN is on the minus strand). VCF-style: chr8-89970425-G-C. GRCh37 (hg19) VCF-style: chr8-90982653-G-C.
Other names: c.589C>G, p.Gln197Glu (NM_001024688.3); short protein forms Q197E, Q279E.
Identifiers: ClinVar variation 656448 (VCV000656448.8), dbSNP rs1586086585, ClinGen allele CA371658491.

ClinVar aggregate classification (germline): Uncertain significance. Review status: criteria provided, multiple submitters, no conflicts (2 of 4 stars). 2 submissions from 2 submitters: Uncertain significance (2). Last evaluated 2023-12-13.

Conditions:
Hereditary cancer-predisposing syndrome. Also called: Neoplastic Syndromes, Hereditary; Hereditary neoplastic syndrome; Hereditary Cancer Syndrome; Tumor predisposition. Identifiers: Orphanet 140162, MedGen C0027672, MeSH D009386, MONDO:0015356.
Microcephaly, normal intelligence and immunodeficiency (NBS). Also called: BERLIN BREAKAGE SYNDROME; Immunodeficiency, microcephaly with normal intelligence; SEEMANOVA SYNDROME II; Ataxia telangiectasia variant V1; Nijmegen breakage syndrome; IMMUNODEFICIENCY, MICROCEPHALY, AND CHROMOSOMAL INSTABILITY. Identifiers: Orphanet 647, MedGen C0398791, MONDO:0009623, OMIM 251260.

Submissions (2):

Labcorp Genetics (formerly Invitae), Labcorp
Classification: Uncertain significance for Microcephaly, normal intelligence and immunodeficiency. Last evaluated: 2023-12-13. Review status: criteria provided, single submitter. Criteria: Invitae Variant Classification Sherloc (09022015). Collection method: clinical testing. Allele origin: germline.
Comment: This sequence change replaces glutamine, which is neutral and polar, with glutamic acid, which is acidic and polar, at codon 279 of the NBN protein (p.Gln279Glu). This variant is not present in population databases (gnomAD no frequency). This variant has not been reported in the literature in individuals affected with NBN-related conditions. ClinVar contains an entry for this variant (Variation ID: 656448). An algorithm developed to predict the effect of missense changes on protein structure and function (PolyPhen-2) suggests that this variant is likely to be disruptive. In summary, the available evidence is currently insufficient to determine the role of this variant in disease. Therefore, it has been classified as a Variant of Uncertain Significance.

Sema4
Classification: Uncertain significance for Hereditary cancer-predisposing syndrome. Last evaluated: 2021-09-16. Review status: criteria provided, single submitter. Criteria: Sema4 Curation Guidelines. Collection method: curation. Allele origin: germline.
Comment: The NBN c.835C>G (p.Q279E) variant has not been reported in the literature to our knowledge. It was not observed in the large and broad cohorts of the Genome Aggregation Database (PMID: 32461654). The variant has been reported in ClinVar (Variation ID: 656448). Functional studies have not been performed, and in silico predictions of the variant's effect on protein function are inconclusive. The evidence is insufficient to meet ACMG/AMP criteria for classifying the variant as benign or pathogenic. Thus, the clinical significance of this variant is currently uncertain.